The following is an entry in ClinVar:

ClinVar aggregate classification (germline): Uncertain significance (1 of 4 stars; one submission).

Allele frequency attached by ClinVar (database versions not stated): gnomAD 0.00001; gnomAD exomes 0.00002; TOPMed 0.00002; ExAC 0.00003; ESP Exome Variant Server 0.00008.
gnomAD v4.1: 33 of 1,608,406 alleles (0.0021%); highest among the groups gnomAD compares: Non-Finnish European, 0.0024%; no homozygotes.

Submission:

Labcorp Genetics (formerly Invitae), Labcorp
Classification: Uncertain significance. Last evaluated: 2024-10-30. Review status: criteria provided, single submitter. Criteria: Invitae Variant Classification Sherloc (09022015). Collection method: clinical testing. Allele origin: germline.
Comment: This sequence change replaces arginine, which is basic and polar, with glutamine, which is neutral and polar, at codon 709 of the CTR9 protein (p.Arg709Gln). This variant is present in population databases (rs371896527, gnomAD 0.003%). This variant has not been reported in the literature in individuals affected with CTR9-related conditions. ClinVar contains an entry for this variant (Variation ID: 2721377). An algorithm developed to predict the effect of missense changes on protein structure and function (PolyPhen-2) suggests that this variant is likely to be tolerated. In summary, the available evidence is currently insufficient to determine the role of this variant in disease. Therefore, it has been classified as a Variant of Uncertain Significance.

NM_014633.5(CTR9):c.2126G>A (p.Arg709Gln)

Gene: CTR9 (CTR9 component of Paf1/RNA polymerase II complex; plus strand). Cytogenetic location: 11p15.4.
Variant type: single nucleotide variant.
Coding change: c.2126G>A on transcript NM_014633.5 (MANE Select); coding-DNA position 2126, G replaced by A.
Protein change: p.Arg709Gln; replaces arginine 709 with glutamine.
Molecular consequence: missense variant.
Genome position (GRCh38, 1-based): chr11:10,770,226, G>A. VCF-style: chr11-10770226-G-A. GRCh37 (hg19) VCF-style: chr11-10791773-G-A.
Other names: c.2126G>A, p.Arg709Gln (NM_001346279.2); short protein forms R709Q.
Identifiers: ClinVar variation 2721377 (VCV002721377.3), dbSNP rs371896527, ClinGen allele CA5885252.
Genomic context (GRCh38, chr11:10,770,226, plus strand): 5'-TTATTCTTTGTTGTGTTTTAATTAACTTTTTTCTTTTACTGTAGTATGAAAACTGCCTCC[G>A]AAAGTTCTATAAGCACCAAAACACTGAAGTTGTACTCTATTTGGCCCGGGCCCTCTTCAA-3'
Protein context (NP_055448.1, residues 699-719): SAVQMYENCL[Arg709Gln]KFYKHQNTEV